The following is an entry in ClinVar:

NM_001135649.3(FOXI3):c.229G>C (p.Gly77Arg)

Gene: FOXI3 (forkhead box I3; minus strand). Cytogenetic location: 2p11.2.
Variant type: single nucleotide variant.
Coding change: c.229G>C on transcript NM_001135649.3 (MANE Select); coding-DNA position 229, G replaced by C.
Protein change: p.Gly77Arg; replaces glycine 77 with arginine.
Molecular consequence: missense variant.
Genome position (GRCh38, 1-based): chr2:88,452,307, C>G on the plus strand (G>C on the coding strand, the complement: FOXI3 is on the minus strand). VCF-style: chr2-88452307-C-G. GRCh37 (hg19) VCF-style: chr2-88751825-C-G.
Other names: short protein forms G77R.
Identifiers: ClinVar variation 1957946 (VCV001957946.5), dbSNP rs1020209023, ClinGen allele CA51944244.

ClinVar aggregate classification (germline): Uncertain significance (1 of 4 stars; one submission).

Submission:

Labcorp Genetics (formerly Invitae), Labcorp
Classification: Uncertain significance. Last evaluated: 2024-12-16. Review status: criteria provided, single submitter. Criteria: Invitae Variant Classification Sherloc (09022015). Collection method: clinical testing. Allele origin: germline.
Comment: This sequence change replaces glycine, which is neutral and non-polar, with arginine, which is basic and polar, at codon 77 of the FOXI3 protein (p.Gly77Arg). The frequency data for this variant in the population databases is considered unreliable, as metrics indicate insufficient coverage at this position in the gnomAD database. This variant has not been reported in the literature in individuals affected with FOXI3-related conditions. ClinVar contains an entry for this variant (Variation ID: 1957946). Experimental studies and prediction algorithms are not available or were not evaluated, and the functional significance of this variant is currently unknown. In summary, the available evidence is currently insufficient to determine the role of this variant in disease. Therefore, it has been classified as a Variant of Uncertain Significance.